The following is an entry in ClinVar:

ClinVar aggregate classification (germline): Uncertain significance. Review status: criteria provided, multiple submitters, no conflicts (2 of 4 stars). 2 submissions from 2 submitters: Uncertain significance (2). Last evaluated 2018-10-31.

Conditions:
Autosomal recessive limb-girdle muscular dystrophy type 2J (LGMDR10). Also called: Limb-girdle muscular dystrophy, type 2J; MUSCULAR DYSTROPHY, LIMB-GIRDLE, AUTOSOMAL RECESSIVE 10. Identifiers: Orphanet 140922, MedGen C1837342, MONDO:0012127, OMIM 608807.
Dilated cardiomyopathy 1G (CMD1G). Identifiers: Orphanet 154, MedGen C1858763, MONDO:0011400, OMIM 604145.
Myopathy, myofibrillar, 9, with early respiratory failure (MFM9). Also called: EDSTROM MYOPATHY; MYOPATHY, PROXIMAL, WITH EARLY RESPIRATORY MUSCLE INVOLVEMENT; Hereditary myopathy with early respiratory failure; Myopathy, distal, with early respiratory failure, autosomal dominant. Identifiers: Orphanet 178464, Orphanet 34521, MedGen C1863599, MONDO:0011362, OMIM 603689.
Hypertrophic cardiomyopathy 9. Also called: Familial hypertrophic cardiomyopathy 9. Identifiers: MedGen C1861065, MONDO:0013412, OMIM 613765.
Early-onset myopathy with fatal cardiomyopathy (CMYO5). Also called: Salih Myopathy; CONGENITAL MYOPATHY 5 WITH CARDIOMYOPATHY. Identifiers: Orphanet 289377, MedGen C2673677, MONDO:0012714, OMIM 611705. Disease mechanism: loss of function.
Tibial muscular dystrophy (TMD). Also called: UDD MYOPATHY; Tibial muscular dystrophy, tardive; Udd Distal Myopathy – Tibial Muscular Dystrophy. Identifiers: Orphanet 609, MedGen C1838244, MONDO:0010870, OMIM 600334.

Allele frequency attached by ClinVar (database versions not stated): gnomAD exomes 0.00001 and 0.00002; ExAC 0.00002; gnomAD 0.00003.
gnomAD v4.1: 20 of 1,598,120 alleles (0.0013%); highest among the groups gnomAD compares: Middle Eastern, 0.017%; no homozygotes.

Submissions (2):

Fulgent Genetics
Classification: Uncertain significance for Tibial muscular dystrophy; Myopathy, myofibrillar, 9, with early respiratory failure; Dilated cardiomyopathy 1G; Autosomal recessive limb-girdle muscular dystrophy type 2J; Early-onset myopathy with fatal cardiomyopathy; Hypertrophic cardiomyopathy 9. Last evaluated: 2018-10-31. Review status: criteria provided, single submitter. Criteria: ACMG Guidelines, 2015. Collection method: clinical testing. Allele origin: unknown.

Labcorp Genetics (formerly Invitae), Labcorp
Classification: Uncertain significance for Dilated cardiomyopathy 1G; Autosomal recessive limb-girdle muscular dystrophy type 2J. Last evaluated: 2017-05-15. Review status: criteria provided, single submitter. Criteria: Invitae Variant Classification Sherloc (09022015). Collection method: clinical testing. Allele origin: germline.
Comment: This sequence change replaces glycine with serine at codon 5457 of the TTN protein (p.Gly5457Ser). There is a small physicochemical difference between glycine and serine. This variant is present in population databases (rs774425875, ExAC 0.008%) but has not been reported in the literature in individuals with a TTN-related disease. This variant identified in the TTN gene is located in the I band of the resulting protein (PMID: 25589632). It is unclear how this variant impacts the function of this protein. Algorithms developed to predict the effect of missense changes on protein structure and function are unavailable for the TTN gene. Algorithms developed to predict the effect of sequence changes on RNA splicing suggest that this variant may alter RNA splicing, but this prediction has not been confirmed by published transcriptional studies. In summary, this variant is a rare missense change with uncertain impact on protein function. It has been classified as a Variant of Uncertain Significance.

Literature cited by the submitters: PubMed 25589632 (cited by Labcorp Genetics (formerly Invitae), Labcorp).

NM_001267550.2(TTN):c.16369G>A (p.Gly5457Ser)

Gene: TTN (titin; minus strand). Cytogenetic location: 2q31.2.
Variant type: single nucleotide variant.
Coding change: c.16369G>A on transcript NM_001267550.2 (MANE Select); coding-DNA position 16369, G replaced by A.
Protein change: p.Gly5457Ser; replaces glycine 5457 with serine.
Molecular consequence: missense variant. On other transcripts: intron variant (3).
Genome position (GRCh38, 1-based): chr2:178,732,692, C>T on the plus strand (G>A on the coding strand, the complement: TTN is on the minus strand). VCF-style: chr2-178732692-C-T. GRCh37 (hg19) VCF-style: chr2-179597419-C-T.
Other names: c.15418G>A, p.Gly5140Ser (NM_001256850.1); c.12637G>A, p.Gly4213Ser (NM_133378.4); c.13282+5390G>A (NM_003319.4); c.13858+5390G>A (NM_133437.4); c.13657+5390G>A (NM_133432.3); short protein forms G5457S, G4213S, G5140S.
Identifiers: ClinVar variation 466840 (VCV000466840.3), dbSNP rs774425875, ClinGen allele CA2002040.
Genomic context (GRCh38, chr2:178,732,692, plus strand): 5'-TAGATCCTTGGAAAGTGCTCTTCAGGCAGACTGCTGAGCCAGGCAGAACATCCTTTGAGC[C>T]GGGTTTAGTTACAAAACTGGGTGGTTCTGAAGAAGGGGTATAAGAAAGAATTTCAAAGAG-3'
Protein context (NP_001254479.2, residues 5447-5467): QEPPSFVTKP[Gly5457Ser]SKDVLPGSAV